The following is an entry in ClinVar:

ClinVar aggregate classification (germline): Uncertain significance (1 of 4 stars; one submission).

Allele frequency attached by ClinVar (database versions not stated): gnomAD exomes below 0.00001.
gnomAD v4.1: 1 of 1,614,144 alleles (0.000062%); highest among the groups gnomAD compares: Admixed American, 0.0017%; no homozygotes.

Submission:

Labcorp Genetics (formerly Invitae), Labcorp
Classification: Uncertain significance. Last evaluated: 2022-08-02. Review status: criteria provided, single submitter. Criteria: Invitae Variant Classification Sherloc (09022015). Collection method: clinical testing. Allele origin: germline.
Comment: This sequence change replaces aspartic acid, which is acidic and polar, with glycine, which is neutral and non-polar, at codon 742 of the RBBP8 protein (p.Asp742Gly). This variant is present in population databases (no rsID available, gnomAD 0.003%). This variant has not been reported in the literature in individuals affected with RBBP8-related conditions. Algorithms developed to predict the effect of missense changes on protein structure and function are either unavailable or do not agree on the potential impact of this missense change (SIFT: "Tolerated"; PolyPhen-2: "Possibly Damaging"; Align-GVGD: "Class C0"). In summary, the available evidence is currently insufficient to determine the role of this variant in disease. Therefore, it has been classified as a Variant of Uncertain Significance.

NM_002894.3(RBBP8):c.2225A>G (p.Asp742Gly)

Gene: RBBP8 (RB binding protein 8, endonuclease; plus strand). Cytogenetic location: 18q11.2.
Variant type: single nucleotide variant.
Coding change: c.2225A>G on transcript NM_002894.3 (MANE Select); coding-DNA position 2225, A replaced by G.
Protein change: p.Asp742Gly; replaces aspartic acid 742 with glycine.
Molecular consequence: missense variant.
Genome position (GRCh38, 1-based): chr18:23,001,667, A>G. VCF-style: chr18-23001667-A-G. GRCh37 (hg19) VCF-style: chr18-20581630-A-G.
Other names: c.2225A>G, p.Asp742Gly (NM_203291.2, NM_203292.2); short protein forms D742G.
Identifiers: ClinVar variation 1936305 (VCV001936305.3), dbSNP rs1347977874, ClinGen allele CA401781702.